The following is an entry in ClinVar:

NM_002180.3(IGHMBP2):c.1342A>G (p.Ile448Val)

Gene: IGHMBP2 (immunoglobulin mu DNA binding protein 2; plus strand). Cytogenetic location: 11q13.3.
Variant type: single nucleotide variant.
Coding change: c.1342A>G on transcript NM_002180.3 (MANE Select); coding-DNA position 1342, A replaced by G.
Protein change: p.Ile448Val; replaces isoleucine 448 with valine.
Molecular consequence: missense variant.
Genome position (GRCh38, 1-based): chr11:68,933,405, A>G. VCF-style: chr11-68933405-A-G. GRCh37 (hg19) VCF-style: chr11-68700873-A-G.
Other names: short protein forms I448V.
Identifiers: ClinVar variation 534928 (VCV000534928.9), dbSNP rs139000973, ClinGen allele CA6153612.

ClinVar aggregate classification (germline): Uncertain significance. Review status: criteria provided, multiple submitters, no conflicts (2 of 4 stars). 3 submissions from 3 submitters: Uncertain significance (3). Last evaluated 2024-06-16.

Conditions:
Charcot-Marie-Tooth disease axonal type 2S. Also called: CHARCOT-MARIE-TOOTH NEUROPATHY, TYPE 2S; CHARCOT-MARIE-TOOTH DISEASE, AXONAL, AUTOSOMAL RECESSIVE, TYPE 2S. Identifiers: Orphanet 443073, MedGen C4015349, MONDO:0014511, OMIM 616155.
Autosomal recessive distal spinal muscular atrophy 1. Also called: HMN VI; NEURONOPATHY, SEVERE INFANTILE AXONAL, WITH RESPIRATORY FAILURE; SEVERE INFANTILE AXONAL NEUROPATHY WITH RESPIRATORY FAILURE; SPINAL MUSCULAR ATROPHY, DIAPHRAGMATIC; Spinal muscular atrophy with respiratory distress 1; NEURONOPATHY, DISTAL HEREDITARY MOTOR, HARDING TYPE VI. Identifiers: Orphanet 98920, MedGen C1858517, MONDO:0011436, OMIM 604320.

Allele frequency attached by ClinVar (database versions not stated): gnomAD 0.00002 and 0.00003; ExAC 0.00003; gnomAD exomes 0.00003 and 0.00006; TOPMed 0.00003; ESP Exome Variant Server 0.00008.
gnomAD v4.1: 88 of 1,613,068 alleles (0.0055%); highest among the groups gnomAD compares: Non-Finnish European, 0.0072%; no homozygotes.

Submissions (3):

GeneDx
Classification: Uncertain significance. Last evaluated: 2024-06-16. Review status: criteria provided, single submitter. Criteria: GeneDx Variant Classification Process June 2021. Collection method: clinical testing. Allele origin: germline. Affected: yes.
Comment: Not observed at significant frequency in large population cohorts (gnomAD); In silico analysis indicates that this missense variant does not alter protein structure/function; Has not been previously published as pathogenic or benign to our knowledge; This variant is associated with the following publications: (PMID: 22965130, 24388491, 25439726)

Labcorp Genetics (formerly Invitae), Labcorp
Classification: Uncertain significance for Autosomal recessive distal spinal muscular atrophy 1; Charcot-Marie-Tooth disease axonal type 2S. Last evaluated: 2022-06-24. Review status: criteria provided, single submitter. Criteria: Invitae Variant Classification Sherloc (09022015). Collection method: clinical testing. Allele origin: germline.
Comment: This sequence change replaces isoleucine, which is neutral and non-polar, with valine, which is neutral and non-polar, at codon 448 of the IGHMBP2 protein (p.Ile448Val). This variant is present in population databases (rs139000973, gnomAD 0.006%). This variant has not been reported in the literature in individuals affected with IGHMBP2-related conditions. ClinVar contains an entry for this variant (Variation ID: 534928). Advanced modeling of protein sequence and biophysical properties (such as structural, functional, and spatial information, amino acid conservation, physicochemical variation, residue mobility, and thermodynamic stability) performed at Invitae indicates that this missense variant is expected to disrupt IGHMBP2 protein function. In summary, the available evidence is currently insufficient to determine the role of this variant in disease. Therefore, it has been classified as a Variant of Uncertain Significance.

Revvity Omics, Revvity
Classification: Uncertain significance. Last evaluated: 2020-02-28. Review status: criteria provided, single submitter. Criteria: ACMG Guidelines, 2015. Collection method: clinical testing. Allele origin: germline.